The following is an entry in ClinVar:

NM_001752.4(CAT):c.1478T>C (p.Ile493Thr)

Gene: CAT (catalase; plus strand). Cytogenetic location: 11p13.
Variant type: single nucleotide variant.
Coding change: c.1478T>C on transcript NM_001752.4 (MANE Select); coding-DNA position 1478, T replaced by C.
Protein change: p.Ile493Thr; replaces isoleucine 493 with threonine.
Molecular consequence: missense variant.
Genome position (GRCh38, 1-based): chr11:34,471,001, T>C. VCF-style: chr11-34471001-T-C. GRCh37 (hg19) VCF-style: chr11-34492548-T-C.
Other names: short protein forms I493T.
Identifiers: ClinVar variation 714498 (VCV000714498.5), dbSNP rs144800919, ClinGen allele CA5944660.

ClinVar aggregate classification (germline): Likely benign. Review status: criteria provided, single submitter (1 of 4 stars). 2 submissions from 2 submitters: Likely benign (1). 1 of the submissions does not count toward it. Last evaluated 2018-01-17.

Conditions:
CAT-related disorder. Also called: CAT-related condition.

Allele frequency attached by ClinVar (database versions not stated): gnomAD exomes 0.00013 and 0.00032; ExAC 0.00046; 1000 Genomes Project 0.00140; gnomAD 0.00151 and 0.00164; 1000 Genomes Project 30x 0.00156; TOPMed 0.00156; ESP Exome Variant Server 0.00162.
gnomAD v4.1: 426 of 1,614,204 alleles (0.026%); highest among the groups gnomAD compares: African/African-American, 0.52%; 1 homozygote.

Submissions (2):

Labcorp Genetics (formerly Invitae), Labcorp
Classification: Likely benign. Last evaluated: 2018-01-17. Review status: criteria provided, single submitter. Criteria: Invitae Variant Classification Sherloc (09022015). Collection method: clinical testing. Allele origin: germline.

PreventionGenetics, part of Exact Sciences
Classification: Likely benign for CAT-related condition. Last evaluated: 2023-04-17. Review status: no assertion criteria provided. Collection method: clinical testing. Allele origin: germline. Not counted in ClinVar's aggregate classification.
Comment: This variant is classified as likely benign based on ACMG/AMP sequence variant interpretation guidelines (Richards et al. 2015 PMID: 25741868, with internal and published modifications).